The following is an entry in ClinVar:

ClinVar aggregate classification (germline): Likely benign (1 of 4 stars; one submission).

Submission:

CeGaT Center for Human Genetics Tuebingen
Classification: Likely benign. Last evaluated: 2022-12-01. Review status: criteria provided, single submitter. Criteria: CeGaT Center For Human Genetics Tuebingen Variant Classification Criteria Version 2. Collection method: clinical testing. Allele origin: germline. Affected: yes. Observed: 1 variant allele.
Comment: SMARCE1: BS1

NM_003079.5(SMARCE1):c.-45-8dup

Gene: SMARCE1 (SWI/SNF related BAF chromatin remodeling complex subunit E1; minus strand). Cytogenetic location: 17q21.2.
Variant type: Duplication.
Coding change: c.-45-8dup on transcript NM_003079.5 (MANE Select); 8 bases into the intron before 45 bases upstream of the start codon, one base duplicated (T; older notation c.-45-8dupT).
Molecular consequence: intron variant.
Genome position (GRCh38, 1-based): chr17:40,645,855, A duplicated on the plus strand (T on the coding strand, the reverse complement: SMARCE1 is on the minus strand); the first of 10 consecutive A bases (chr17:40,645,855-40,645,864); duplicating any one gives the same sequence. VCF-style (leftmost placement, unchanged base first): chr17-40645854-T-TA. GRCh37 (hg19) VCF-style: chr17-38802106-T-TA.
Identifiers: ClinVar variation 2647745 (VCV002647745.24), dbSNP rs756987870, ClinGen allele CA8545348.
Genomic context (GRCh38, chr17:40,645,854, plus strand): 5'-ACTTGACATTTTGGAAGATTAAGTTCTCAGTTCCTTAAGAATGAATCTGAGACACTAAAA[T>TA]AAAAAAAAAAGGAAAAAAAAAAGAGAATCAAAACTCAGCAAGCATACGAGAATGTTTTCC-3'